The following is an entry in ClinVar:

NM_032217.5(ANKRD17):c.203A>C (p.Gln68Pro)

Gene: ANKRD17 (ankyrin repeat domain 17; minus strand). Cytogenetic location: 4q13.3.
Variant type: single nucleotide variant.
Coding change: c.203A>C on transcript NM_032217.5 (MANE Select); coding-DNA position 203, A replaced by C.
Protein change: p.Gln68Pro; replaces glutamine 68 with proline.
Molecular consequence: missense variant.
Genome position (GRCh38, 1-based): chr4:73,258,466, T>G on the plus strand (A>C on the coding strand, the complement: ANKRD17 is on the minus strand). VCF-style: chr4-73258466-T-G. GRCh37 (hg19) VCF-style: chr4-74124183-T-G.
Other names: c.203A>C, p.Gln68Pro (NM_015574.2, NM_198889.3); short protein forms Q68P.
Identifiers: ClinVar variation 2499673 (VCV002499673.1), dbSNP rs1473793687, ClinGen allele CA357435878.

ClinVar aggregate classification (germline): Likely pathogenic (1 of 4 stars; one submission).

Conditions:
Chopra-Amiel-Gordon syndrome (CAGS). Also called: ANKRD17-Related Neurodevelopmental Syndrome. Identifiers: MedGen C5561975, MONDO:0859186, OMIM 619504.

Allele frequency attached by ClinVar (database versions not stated): gnomAD exomes below 0.00001.
gnomAD v4.1: 1 of 1,601,266 alleles (0.000062%); highest among the groups gnomAD compares: Non-Finnish European, 0.000085%; no homozygotes.

Submission:

Institute of Human Genetics, FAU Erlangen, Friedrich-Alexander-Universität Erlangen-Nürnberg
Classification: Likely pathogenic for Chopra-Amiel-Gordon syndrome. Last evaluated: 2023-04-25. Review status: criteria provided, single submitter. Criteria: Hauer et al. (Genet Med. 2018). Collection method: clinical testing. Allele origin: germline. Inheritance: Autosomal dominant inheritance. Affected: yes. Observed: 1 variant allele.
Comment: This variant has been identified by standard clinical testing.